The following is an entry in ClinVar:

ClinVar aggregate classification (germline): Uncertain significance (1 of 4 stars; one submission).

Conditions:
Adams-Oliver syndrome 5 (AOS5). Identifiers: Orphanet 974, MedGen C4014970, MONDO:0014459, OMIM 616028.

Submission:

Labcorp Genetics (formerly Invitae), Labcorp
Classification: Uncertain significance for Adams-Oliver syndrome 5. Last evaluated: 2025-12-09. Review status: criteria provided, single submitter. Criteria: Invitae Variant Classification Sherloc (09022015). Collection method: clinical testing. Allele origin: germline.
Comment: This sequence change replaces glutamine, which is neutral and polar, with glutamic acid, which is acidic and polar, at codon 2376 of the NOTCH1 protein (p.Gln2376Glu). This variant is not present in population databases (gnomAD no frequency). This variant has not been reported in the literature in individuals affected with NOTCH1-related conditions. Invitae Evidence Modeling of protein sequence and biophysical properties (such as structural, functional, and spatial information, amino acid conservation, physicochemical variation, residue mobility, and thermodynamic stability) indicates that this missense variant is not expected to disrupt NOTCH1 protein function with a negative predictive value of 95%. In summary, the available evidence is currently insufficient to determine the role of this variant in disease. Therefore, it has been classified as a Variant of Uncertain Significance.

NM_017617.5(NOTCH1):c.7126C>G (p.Gln2376Glu)

Gene: NOTCH1 (notch receptor 1; minus strand). Cytogenetic location: 9q34.3.
Variant type: single nucleotide variant.
Coding change: c.7126C>G on transcript NM_017617.5 (MANE Select); coding-DNA position 7126, C replaced by G.
Protein change: p.Gln2376Glu; replaces glutamine 2376 with glutamic acid.
Molecular consequence: missense variant.
Genome position (GRCh38, 1-based): chr9:136,496,613, G>C on the plus strand (C>G on the coding strand, the complement: NOTCH1 is on the minus strand). VCF-style: chr9-136496613-G-C. GRCh37 (hg19) VCF-style: chr9-139391065-G-C.
Other names: short protein forms Q2376E.
Identifiers: ClinVar variation 4801889 (VCV004801889.1).
Genomic context (GRCh38, chr9:136,496,613, plus strand): 5'-TCTGCTGCTGCATCTGTAAGTTTTGTGGCTGCACCTGCTGGGTCTGCACCAGGTGAGGCT[G>C]GGTGGCCAGCCGGGTGCTGGGCAGGCCCTGGTAGCTCATCATCTGGGACAGGGCGCTGGC-3'
Protein context (NP_060087.3, residues 2366-2386): QGLPSTRLAT[Gln2376Glu]PHLVQTQQVQ